The following is an entry in ClinVar:

ClinVar aggregate classification (germline): Uncertain significance. Review status: reviewed by expert panel (3 of 4 stars). 3 submissions from 3 submitters: Uncertain significance (1). 2 of the submissions do not count toward it. Last evaluated 2025-08-27.

Conditions:
CDKL5 disorder. Identifiers: MedGen CN296942, MONDO:0100039.

Submissions (3):

ClinGen Rett and Angelman-like Disorders Variant Curation Expert Panel
Classification: Uncertain significance for CDKL5 disorder. Last evaluated: 2025-08-27. Review status: reviewed by expert panel. Criteria: ClinGen RettAS ACMG Specifications CDKL5 V5.0.0. Collection method: curation. Allele origin: germline. Inheritance: X-linked inheritance.
Comment: The c.404-3C>A variant in CDKL5 is absent from gnomAD v4.1 (PM2_Supporting). The c.404-3C>A variant has been observed in an individual with epilepsy (PMID: 29655203) (does not meet PS4). The computational splicing predictor SpliceAI gives a score of 0.64 for acceptor loss, predicting that the variant disrupts the acceptor splice site of intron 5 of CDKL5 (PP3). In summary, the c.404-3C>A variant in CDKL5 is classified as uncertain significance based on the ACMG/AMP criteria (PM2_Supporting, PP3). (CDKL5 Specifications v.5.0.0; curation approved on 8/27/2025)

Centre for Population Genomics, CPG
Classification: Uncertain significance for CDKL5 disorder. Last evaluated: 2024-09-23. Review status: criteria provided, single submitter. Criteria: McKnight et al. (Hum Mutat. 2022). Collection method: curation. Allele origin: germline. Inheritance: X-linked inheritance. Not counted in ClinVar's aggregate classification.
Comment: This variant has been collected from RettBASE and curated to current modified ACMG/AMP criteria. Based on the classification scheme defined by the ClinGen Rett/Angelman-like Expert Panel for Rett/AS-like Disorders Specifications to the ACMG/AMP Variant Interpretation Guidelines VCEP 3.0, this variant is classified as a variant of uncertain significance. At least the following criteria are met: The computational splicing predictor SpliceAI supports a splicing alteration (score of >0.2 - AL: 0.64, DL: 0.52) (PP3_Splicing). This variant is absent from gnomAD (PM2_Supporting).

GeneDx
Classification: Likely pathogenic. Last evaluated: 2012-07-10. Review status: criteria provided, single submitter. Criteria: GeneDx Variant Classification (06012015). Collection method: clinical testing. Allele origin: germline. Affected: yes. Not counted in ClinVar's aggregate classification.
Comment: The c.404-3 C>A nucleotide substitution has not been published as a mutation, nor has it been reported as a benign polymorphism to our knowledge. Multiple in silico models predict that the c.404-3 C>A substitution damages the native splice acceptor site at the intron 6/exon 7 junction of the CDKL5 gene. Therefore, based on the currently available information, c.404-3 C>A is a strong candidate to be a disease-causing mutation; however, the possibility that it is a benign variant cannot be excluded. The variant is found in INFANT-EPI panel(s).

NM_001323289.2(CDKL5):c.404-3C>A

Gene: CDKL5 (cyclin dependent kinase like 5; plus strand). Cytogenetic location: Xp22.13.
Variant type: single nucleotide variant.
Coding change: c.404-3C>A on transcript NM_001323289.2 (MANE Select); 3 bases into the intron before coding-DNA position 404, C replaced by A.
Molecular consequence: intron variant.
Genome position (GRCh38, 1-based): chrX:18,581,888, C>A. VCF-style: chrX-18581888-C-A. GRCh37 (hg19) VCF-style: chrX-18600008-C-A.
Other names: c.404-3C>A (NM_003159.3, NM_001037343.2).
Identifiers: ClinVar variation 156598 (VCV000156598.4), dbSNP rs587783079, ClinGen allele CA294595.